The following is an entry in ClinVar:

ClinVar aggregate classification (germline): Pathogenic (1 of 4 stars; one submission).

Conditions:
Inborn genetic diseases. Identifiers: MedGen C0950123, MeSH D030342.

Submission:

Ambry Genetics
Classification: Pathogenic for Inborn genetic diseases. Last evaluated: 2020-10-09. Review status: criteria provided, single submitter. Criteria: Ambry Variant Classification Scheme 2023. Collection method: clinical testing. Allele origin: germline.
Comment: The c.6214_6215delCA (p.H2072Yfs*8) alteration, located in exon 6 (coding exon 5) of the ZNF462 gene, consists of a deletion of 2 nucleotides from position 6214 to 6215, causing a translational frameshift with a predicted alternate stop codon after 8 amino acids. In addition to the clinical data presented in the literature, this alteration is expected to result in loss of function by premature protein truncation or nonsense-mediated mRNA decay. Based on data from the Genome Aggregation Database (gnomAD), the ZNF462 c.6214_6215delCA alteration was not observed, with coverage at this position. This alteration has been described de novo in 2 patients (including the patient herein) motor or speech delays, ptosis, and feeding issues. Additional features observed in only one patient included hypotonia, wide philtrum, epicanthal folds, low set and small ears, and craniosynostosis (Kruszka, 2019). Based on the available evidence, this alteration is classified as pathogenic.

Literature cited by the submitters: PubMed 31361404.

NM_021224.6(ZNF462):c.6214_6215del (p.His2072fs)

Gene: ZNF462 (zinc finger protein 462; plus strand). Cytogenetic location: 9q31.2.
Variant type: Microsatellite.
Coding change: c.6214_6215del on transcript NM_021224.6 (MANE Select); coding-DNA positions 6214 to 6215, 2 bases deleted (CA; older notation c.6214_6215delCA).
Protein change: p.His2072fs; shifts the reading frame from histidine 2072.
Molecular consequence: frameshift variant.
Genome position (GRCh38, 1-based): chr9:106,935,600-106,935,601, CA deleted; deleting any 2 consecutive bases within chr9:106,935,597-106,935,601 gives the same sequence; the c. name uses the placement nearest the transcript's 3' end. VCF-style (leftmost placement, unchanged base first): chr9-106935596-AAC-A. GRCh37 (hg19) VCF-style: chr9-109697877-AAC-A.
Other names: c.3619_3620del, p.His1207fs (NM_001347997.2); short protein forms H1207fs, H2072fs.
Identifiers: ClinVar variation 985184 (VCV000985184.4), dbSNP rs1830599035, ClinGen allele CA1870415192.